The following is an entry in ClinVar:

NM_181882.3(PRX):c.1461G>A (p.Pro487=)

Gene: PRX (periaxin; minus strand). Cytogenetic location: 19q13.2.
Variant type: single nucleotide variant.
Coding change: c.1461G>A on transcript NM_181882.3 (MANE Select); coding-DNA position 1461, G replaced by A.
Protein change: p.Pro487=; no amino-acid change (proline 487 retained).
Molecular consequence: synonymous variant. On other transcripts: 3 prime UTR variant (1).
Genome position (GRCh38, 1-based): chr19:40,396,891, C>T on the plus strand (G>A on the coding strand, the complement: PRX is on the minus strand). VCF-style: chr19-40396891-C-T. GRCh37 (hg19) VCF-style: chr19-40902798-C-T.
Other names: p.Pro487=; c.*1666G>A (NM_020956.2).
Identifiers: ClinVar variation 476950 (VCV000476950.15), dbSNP rs757009052, ClinGen allele CA9444258.
Genomic context (GRCh38, chr19:40,396,891, plus strand): 5'-CACCTTTGGGAGTTTCATCTCTGACACTTTGGGCAGCTCTACCTCTGGAAGCCGCACCTC[C>T]GGCACAGCCATCTCTGGCACCTTTGGGAGTTTCATCTCTGACACCTTGGGGAGCTCCACC-3'
Protein context (NP_870998.2, residues 477-497): KLPKVPEMAV[Pro487=]EVRLPEVELP

ClinVar aggregate classification (germline): Likely benign. Review status: criteria provided, multiple submitters, no conflicts (2 of 4 stars). 4 submissions from 4 submitters: Likely benign (3). 1 of the submissions does not count toward it. Last evaluated 2025-05-23.

Conditions:
PRX-related disorder. Also called: PRX-related condition; PRX-Related Disorders.
Inborn genetic diseases. Identifiers: MedGen C0950123, MeSH D030342.
Charcot-Marie-Tooth disease type 4. Also called: Charcot-Marie-Tooth disease, type IV; Charcot-Marie-Tooth, Type 4. Identifiers: Orphanet 64749, MedGen C4082197, MONDO:0018995.

Allele frequency attached by ClinVar (database versions not stated): gnomAD exomes 0.00002 and 0.00003; gnomAD 0.00003 and 0.00004; ExAC 0.00007.
gnomAD v4.1: 48 of 1,613,200 alleles (0.003%); highest among the groups gnomAD compares: Middle Eastern, 0.017%; no homozygotes.

Submissions (4):

Mayo Clinic Laboratories, Mayo Clinic
Classification: Likely benign. Last evaluated: 2025-05-23. Review status: criteria provided, single submitter. Criteria: ACMG Guidelines, 2015. Collection method: clinical testing. Allele origin: germline. Observed: 1 variant allele.
Comment: BP4, BP7

Labcorp Genetics (formerly Invitae), Labcorp
Classification: Likely benign for Charcot-Marie-Tooth disease type 4. Last evaluated: 2025-05-22. Review status: criteria provided, single submitter. Criteria: Invitae Variant Classification Sherloc (09022015). Collection method: clinical testing. Allele origin: germline.

Ambry Genetics
Classification: Likely benign for Inborn genetic diseases. Last evaluated: 2019-07-11. Review status: criteria provided, single submitter. Criteria: Ambry Variant Classification Scheme 2023. Collection method: clinical testing. Allele origin: germline.

PreventionGenetics, part of Exact Sciences
Classification: Likely benign for PRX-related condition. Last evaluated: 2023-02-02. Review status: no assertion criteria provided. Collection method: clinical testing. Allele origin: germline. Not counted in ClinVar's aggregate classification.
Comment: This variant is classified as likely benign based on ACMG/AMP sequence variant interpretation guidelines (Richards et al. 2015 PMID: 25741868, with internal and published modifications).